The following is an entry in ClinVar:

NM_178140.4(PDZD2):c.3366C>T (p.Ala1122=)

Gene: PDZD2 (PDZ domain containing 2; plus strand). Cytogenetic location: 5p13.3.
Variant type: single nucleotide variant.
Coding change: c.3366C>T on transcript NM_178140.4 (MANE Select); coding-DNA position 3366, C replaced by T.
Protein change: p.Ala1122=; no amino-acid change (alanine 1122 retained).
Molecular consequence: synonymous variant.
Genome position (GRCh38, 1-based): chr5:32,074,472, C>T. VCF-style: chr5-32074472-C-T. GRCh37 (hg19) VCF-style: chr5-32074578-C-T.
Identifiers: ClinVar variation 3050759 (VCV003050759.2), dbSNP rs144171238, ClinGen allele CA3219447.

ClinVar aggregate classification (germline): Likely benign (0 of 4 stars; one submission).

Conditions:
PDZD2-related disorder. Also called: PDZD2-related condition.

Allele frequency attached by ClinVar (database versions not stated): ExAC 0.00001; TOPMed 0.00006; gnomAD 0.00007; ESP Exome Variant Server 0.00008; gnomAD exomes 0.00013.
gnomAD v4.1: 196 of 1,613,982 alleles (0.012%); highest among the groups gnomAD compares: Non-Finnish European, 0.016%; no homozygotes.

Submission:

PreventionGenetics, part of Exact Sciences
Classification: Likely benign for PDZD2-related condition. Last evaluated: 2019-07-24. Review status: no assertion criteria provided. Collection method: clinical testing. Allele origin: germline.
Comment: This variant is classified as likely benign based on ACMG/AMP sequence variant interpretation guidelines (Richards et al. 2015 PMID: 25741868, with internal and published modifications).